The following is an entry in ClinVar:

NM_004333.6(BRAF):c.722C>A (p.Thr241Lys)

Gene: BRAF (B-Raf proto-oncogene, serine/threonine kinase; minus strand). Cytogenetic location: 7q34.
Variant type: single nucleotide variant.
Coding change: c.722C>A on transcript NM_004333.6 (MANE Select); coding-DNA position 722, C replaced by A.
Protein change: p.Thr241Lys; replaces threonine 241 with lysine.
Molecular consequence: missense variant.
Genome position (GRCh38, 1-based): chr7:140,801,550, G>T on the plus strand (C>A on the coding strand, the complement: BRAF is on the minus strand). VCF-style: chr7-140801550-G-T. GRCh37 (hg19) VCF-style: chr7-140501350-G-T.
Other names: c.722C>A, p.Thr241Lys (NM_001354609.2, NM_001374244.1, NM_001374258.1 and 4 more transcripts); c.731C>A, p.Thr244Lys (NM_001378467.1); c.620C>A, p.Thr207Lys (NM_001378470.1); c.566C>A, p.Thr189Lys (NM_001378472.1, NM_001378473.1); c.458C>A, p.Thr153Lys (NM_001378475.1); short protein forms T241K, T153K, T189K, T207K, T244K.
Identifiers: ClinVar variation 44829 (VCV000044829.14), dbSNP rs387906660, ClinGen allele CA261663.
Genomic context (GRCh38, chr7:140,801,550, plus strand): 5'-CAGCGGAAACCCTGGAAAAGCAGCTTTCGACAAAAGTCACAAAATGCTAAGGTGAAAAAC[G>T]TTTTTCGTACCTGCAAAGTAAAAAATCACAGAGATTTCAAAAACTCACAAGAAAACTTTC-3'
Protein context (NP_004324.2, residues 231-251): PLTTHNFVRK[Thr241Lys]FFTLAFCDFC

ClinVar aggregate classification (germline): Pathogenic. Review status: reviewed by expert panel (3 of 4 stars). 4 submissions from 4 submitters: Pathogenic (1). 3 of the submissions do not count toward it. Last evaluated 2020-06-25.

Conditions:
BRAF-related disorder. Also called: BRAF-related condition.
RASopathy. Also called: rasopathies; Noonan spectrum disorder. Identifiers: Orphanet 536391, MedGen C5555857, MONDO:0021060.
Noonan syndrome (NS). Also called: Noonan's syndrome. Identifiers: Orphanet 648, MedGen C0028326, MeSH D009634, MONDO:0018997. Disease mechanism: gain of function.

Submissions (4):

ClinGen RASopathy Variant Curation Expert Panel
Classification: Pathogenic for RASopathy. Last evaluated: 2020-06-25. Review status: reviewed by expert panel. Criteria: ClinGen RASopathy ACMG Specifications v1. Collection method: curation. Allele origin: germline. Inheritance: Autosomal dominant inheritance.
Comment: The c.722C>A (p.Thr241Lys) variant in BRAF was absent from large population studies (PM2). It has been identified in 1 individual with Noonan syndrome and 1 individual with cardiofaciocutaneous syndrome (PS4_Supporting; Otto von Guericke University Magdeburg internal data, Laboratory for Molecular Medicine internal data; ClinVar SCV000061619.5). It has been reported at least twice as a de novo occurrence without confirmation of maternity or paternity (PM6_Strong; Fulgent Genetics, Laboratory for Molecular Medicine internal data, SCV000061619.5). Furthermore, the variant is in a location that has been defined by the ClinGen RASopathy Expert Panel to be a mutational hotspot or domain of BRAF (PM1; 29493581). In addition, 3 other pathogenic or likely pathogenic variants have been identified at this codon (PM5 not applied; ClinVar ID: 29805, 29806, 29807). Computational prediction tools and conservation analysis suggest that the p.Thr241Lys variant in BRAF may impact the protein (PP3). This variant is located in BRAF, which has been defined by the ClinGen RASopathy Expert Panel as a gene with a low rate of benign missense variants and pathogenic variants are common (PP2; PMID: 29493581). In summary, this variant meets criteria to be classified as pathogenic for autosomal dominant RASopathies. RASopathy-specific ACMG/AMP criteria applied (PMID: 29493581): PS4_Supporting, PM6_Strong, PM1, PM2, PP2, PP3.

Labcorp Genetics (formerly Invitae), Labcorp
Classification: Likely pathogenic for RASopathy. Last evaluated: 2022-11-29. Review status: criteria provided, single submitter. Criteria: Invitae Variant Classification Sherloc (09022015). Collection method: clinical testing. Allele origin: germline. Not counted in ClinVar's aggregate classification.
Comment: In summary, the currently available evidence indicates that the variant is pathogenic, but additional data are needed to prove that conclusively. Therefore, this variant has been classified as Likely Pathogenic. This variant disrupts the p.Thr241 amino acid residue in BRAF. Other variant(s) that disrupt this residue have been determined to be pathogenic (PMID: 17704260, 18042262, 19206169, 28404629). This suggests that this residue is clinically significant, and that variants that disrupt this residue are likely to be disease-causing. Advanced modeling performed at Invitae incorporating data from internal and/or published experimental studies (Invitae) indicates that this missense variant is expected to disrupt BRAF function. ClinVar contains an entry for this variant (Variation ID: 44829). This missense change has been observed in individual(s) with clinical features of RASopathy spectrum disorders (Invitae). This variant is not present in population databases (gnomAD no frequency). This sequence change replaces threonine, which is neutral and polar, with lysine, which is basic and polar, at codon 241 of the BRAF protein (p.Thr241Lys).

Blueprint Genetics
Classification: Likely pathogenic for BRAF-related disorders. Last evaluated: 2020-05-08. Review status: criteria provided, single submitter. Criteria: ACMG Guidelines, 2015. Collection method: clinical testing. Allele origin: germline. Affected: yes. Observed: 1 variant allele. Not counted in ClinVar's aggregate classification.

Laboratory for Molecular Medicine, Mass General Brigham Personalized Medicine
Classification: Pathogenic for Noonan syndrome. Last evaluated: 2013-06-07. Review status: criteria provided, single submitter. Criteria: LMM Criteria. Collection method: clinical testing. Allele origin: germline. Inheritance: Autosomal dominant inheritance. Observed: 1 variant allele. Not counted in ClinVar's aggregate classification.
Comment: The Thr241Lys variant has not been reported in the literature nor been identifie d in our laboratory in over 1,400 individuals. However, two nucleotide variants at this same position (722C>T, Thr241Met; 722C>G, Thr241Arg) have been previousl y reported in two patients with Noonan syndrome (Sarkozy 2009), one of which was shown to have occurred de novo. Moreover, an adjacent variant affecting the sam e amino acid codon (721A>C, Thr241Pro) has been identified in four patients with Cardio-facio-cutaneous syndrome or LEOPARD syndrome (Nava 2007, Schulz 2008, Sa rkozy 2009), with three of these patients having had the variant occur de novo. The se data suggest the threonine (Thr) at position 241, and residing within the con served region 1 (CR1) of BRAF, is a functionally important residue and is strong ly associated with Noonan Spectrum disorders. In summary, given the de novo occu rrence, the Thr241Lys variant meets our criteria to be classified as pathogenic.

Literature cited by the submitters: PubMed 17704260 (cited by Labcorp Genetics (formerly Invitae), Labcorp); PubMed 18042262 (cited by Labcorp Genetics (formerly Invitae), Labcorp); PubMed 19206169 (cited by Labcorp Genetics (formerly Invitae), Labcorp); PubMed 28404629 (cited by Labcorp Genetics (formerly Invitae), Labcorp).